The following is an entry in ClinVar:

ClinVar aggregate classification (germline): Benign/Likely benign. Review status: criteria provided, multiple submitters, no conflicts (2 of 4 stars). 3 submissions from 3 submitters: Benign (1); Likely benign (2). Last evaluated 2024-08-28.

Conditions:
Hereditary cancer-predisposing syndrome. Also called: Hereditary neoplastic syndrome; Tumor predisposition; Hereditary Cancer Syndrome; Neoplastic Syndromes, Hereditary. Identifiers: Orphanet 140162, MedGen C0027672, MeSH D009386, MONDO:0015356.
Familial cancer of breast. Also called: Hereditary breast cancer; hereditary breast carcinoma; BREAST CANCER, FAMILIAL. Identifiers: Orphanet 227535, MedGen C0346153, MONDO:0016419, OMIM 114480. Disease mechanism: loss of function.

Submissions (3):

Myriad Genetics, Inc.
Classification: Benign for Familial cancer of breast. Last evaluated: 2024-08-28. Review status: criteria provided, single submitter. Criteria: Myriad Autosomal Dominant, Autosomal Recessive and X-Linked Classification Criteria (2023). Collection method: clinical testing. Allele origin: unknown.
Comment: This variant is considered benign. This variant is a silent/synonymous amino acid change and it is not expected to impact splicing.

Ambry Genetics
Classification: Likely benign for Hereditary cancer-predisposing syndrome. Last evaluated: 2018-05-21. Review status: criteria provided, single submitter. Criteria: Ambry Variant Classification Scheme 2023. Collection method: clinical testing. Allele origin: germline.

Color Diagnostics, LLC DBA Color Health
Classification: Likely benign for Hereditary cancer-predisposing syndrome. Last evaluated: 2017-09-14. Review status: criteria provided, single submitter. Criteria: ACMG Guidelines, 2015. Collection method: clinical testing. Allele origin: germline.

NM_032043.3(BRIP1):c.1512C>T (p.Ile504=)

Gene: BRIP1 (BRCA1 interacting DNA helicase 1; minus strand). Cytogenetic location: 17q23.2.
Variant type: single nucleotide variant.
Coding change: c.1512C>T on transcript NM_032043.3 (MANE Select); coding-DNA position 1512, C replaced by T.
Protein change: p.Ile504=; no amino-acid change (isoleucine 504 retained).
Molecular consequence: synonymous variant.
Genome position (GRCh38, 1-based): chr17:61,784,386, G>A on the plus strand (C>T on the coding strand, the complement: BRIP1 is on the minus strand). VCF-style: chr17-61784386-G-A. GRCh37 (hg19) VCF-style: chr17-59861747-G-A.
Identifiers: ClinVar variation 491412 (VCV000491412.8), dbSNP rs876660478, ClinGen allele CA501150777.
Genomic context (GRCh38, chr17:61,784,386, plus strand): 5'-TTGAGTTGATGCACTAATAACAGGTACTTCTCTTGCCTCCTCTTTACCATAAATTGGTGA[G>A]ATTTTTTCCTCTTTTTGAAGAACAGCAGAAAAATGTCCCTATAAGAAATTACCATATTAA-3'
Protein context (NP_114432.2, residues 494-514): FSAVLQKEEK[Ile504=]SPIYGKEEAR